The following is an entry in ClinVar:

NM_019066.5(MAGEL2):c.1468C>T (p.Pro490Ser)

Gene: MAGEL2 (MAGE family member L2; minus strand). Cytogenetic location: 15q11.2.
Variant type: single nucleotide variant.
Coding change: c.1468C>T on transcript NM_019066.5 (MANE Select); coding-DNA position 1468, C replaced by T.
Protein change: p.Pro490Ser; replaces proline 490 with serine.
Molecular consequence: missense variant.
Genome position (GRCh38, 1-based): chr15:23,646,275, G>A on the plus strand (C>T on the coding strand, the complement: MAGEL2 is on the minus strand). VCF-style: chr15-23646275-G-A. GRCh37 (hg19) VCF-style: chr15-23891422-G-A.
Other names: short protein forms P490S.
Identifiers: ClinVar variation 2446587 (VCV002446587.2), dbSNP rs933647897, ClinGen allele CA391333980.

ClinVar aggregate classification (germline): Uncertain significance. Review status: criteria provided, multiple submitters, no conflicts (2 of 4 stars). 2 submissions from 2 submitters: Uncertain significance (2). Last evaluated 2024-10-18.

Conditions:
MAGEL2-related disorder. Also called: MAGEL2-related condition.

Submissions (2):

PreventionGenetics, part of Exact Sciences
Classification: Uncertain significance for MAGEL2-related condition. Last evaluated: 2024-10-18. Review status: criteria provided, single submitter. Criteria: ACMG Guidelines, 2015. Collection method: clinical testing. Allele origin: germline.
Comment: The MAGEL2 c.1468C>T variant is predicted to result in the amino acid substitution p.Pro490Ser. To our knowledge, this variant has not been reported in the literature or in a large population database (gnomAD), indicating this variant is rare. At this time, the clinical significance of this variant is uncertain due to the absence of conclusive functional and genetic evidence.

GeneDx
Classification: Uncertain significance. Last evaluated: 2023-04-02. Review status: criteria provided, single submitter. Criteria: GeneDx Variant Classification Process June 2021. Collection method: clinical testing. Allele origin: germline. Affected: yes.
Comment: Not observed at significant frequency in large population cohorts (gnomAD); In silico analysis supports that this missense variant does not alter protein structure/function; Has not been previously published as pathogenic or benign to our knowledge